The following is an entry in ClinVar:

NM_017636.4(TRPM4):c.852G>A (p.Met284Ile)

Gene: TRPM4 (transient receptor potential cation channel subfamily M member 4; plus strand). Cytogenetic location: 19q13.33.
Variant type: single nucleotide variant.
Coding change: c.852G>A on transcript NM_017636.4 (MANE Select); coding-DNA position 852, G replaced by A.
Protein change: p.Met284Ile; replaces methionine 284 with isoleucine.
Molecular consequence: missense variant. On other transcripts: 5 prime UTR variant (1), initiator codon variant (1).
Genome position (GRCh38, 1-based): chr19:49,171,412, G>A. VCF-style: chr19-49171412-G-A. GRCh37 (hg19) VCF-style: chr19-49674669-G-A.
Other names: c.852G>A, p.Met284Ile (NM_001195227.2); c.507G>A, p.Met169Ile (NM_001321281.2); c.-702G>A (NM_001321282.2); c.330G>A, p.Met110Ile (NM_001321283.2); c.3G>A, p.Met1Ile (NM_001321285.2); short protein forms M110I, M169I, M284I, M1I.
Identifiers: ClinVar variation 2600459 (VCV002600459.4), dbSNP rs746083145, ClinGen allele CA9568977.

ClinVar aggregate classification (germline): Uncertain significance. Review status: criteria provided, multiple submitters, no conflicts (2 of 4 stars). 2 submissions from 2 submitters: Uncertain significance (2). Last evaluated 2025-07-22.

Conditions:
Cardiovascular phenotype. Identifiers: MedGen CN230736.
Progressive familial heart block type IB (PFHB1B). Identifiers: Orphanet 871, MedGen C1970298, MONDO:0011474, OMIM 604559.

Allele frequency attached by ClinVar (database versions not stated): gnomAD 0.00003; ExAC 0.00001; TOPMed 0.00001.

Submissions (2):

Labcorp Genetics (formerly Invitae), Labcorp
Classification: Uncertain significance for Progressive familial heart block type IB. Last evaluated: 2025-07-22. Review status: criteria provided, single submitter. Criteria: Invitae Variant Classification Sherloc (09022015). Collection method: clinical testing. Allele origin: germline.
Comment: This sequence change replaces methionine, which is neutral and non-polar, with isoleucine, which is neutral and non-polar, at codon 284 of the TRPM4 protein (p.Met284Ile). This variant is present in population databases (rs746083145, gnomAD 0.008%). This variant has not been reported in the literature in individuals affected with TRPM4-related conditions. ClinVar contains an entry for this variant (Variation ID: 2600459). An algorithm developed to predict the effect of missense changes on protein structure and function (PolyPhen-2) suggests that this variant is likely to be tolerated. In summary, the available evidence is currently insufficient to determine the role of this variant in disease. Therefore, it has been classified as a Variant of Uncertain Significance.

Ambry Genetics
Classification: Uncertain significance for Cardiovascular phenotype. Last evaluated: 2023-07-11. Review status: criteria provided, single submitter. Criteria: Ambry Variant Classification Scheme 2023. Collection method: clinical testing. Allele origin: germline.